The following is an entry in ClinVar:

NM_001845.6(COL4A1):c.1630G>A (p.Gly544Arg)

Gene: COL4A1 (collagen type IV alpha 1 chain; minus strand). Cytogenetic location: 13q34.
Variant type: single nucleotide variant.
Coding change: c.1630G>A on transcript NM_001845.6 (MANE Select); coding-DNA position 1630, G replaced by A.
Protein change: p.Gly544Arg; replaces glycine 544 with arginine.
Molecular consequence: missense variant.
Genome position (GRCh38, 1-based): chr13:110,187,236, C>T on the plus strand (G>A on the coding strand, the complement: COL4A1 is on the minus strand). VCF-style: chr13-110187236-C-T. GRCh37 (hg19) VCF-style: chr13-110839583-C-T.
Other names: short protein forms G544R.
Identifiers: ClinVar variation 430215 (VCV000430215.5), dbSNP rs1131691834, ClinGen allele CA388723047.
Genomic context (GRCh38, chr13:110,187,236, plus strand): 5'-CTCTTCCAGGAGAACCCGCTCTCCCTGGCATGCCGGGCTGTCCTGGAAAGCCTGGGTCTC[C>T]TTTGTCACCTTTGAGCCGCAAGTCGAAATAAAACTCACCAGGCTCCCCCTTGGCTCCTGG-3'
Protein context (NP_001836.3, residues 534-554): YFDLRLKGDK[Gly544Arg]DPGFPGQPGM

ClinVar aggregate classification (germline): Pathogenic/Likely pathogenic. Review status: criteria provided, multiple submitters, no conflicts (2 of 4 stars). 2 submissions from 2 submitters: Pathogenic (1); Likely pathogenic (1). Last evaluated 2025-09-09.

Conditions:
Brain small vessel disease 1 with or without ocular anomalies (BSVD1). Also called: PORENCEPHALY, TYPE 1, AUTOSOMAL DOMINANT; BRAIN SMALL VESSEL DISEASE WITH HEMORRHAGE; GOULD SYNDROME 1; Brain small vessel disease with or without ocular anomalies. Identifiers: Orphanet 2940, Orphanet 36383, Orphanet 99810, MedGen C4755307, MONDO:0008289, OMIM 175780.

Submissions (2):

3billion
Classification: Likely pathogenic for Brain small vessel disease 1 with or without ocular anomalies. Last evaluated: 2025-09-09. Review status: criteria provided, single submitter. Criteria: ACMG Guidelines, 2015. Collection method: clinical testing. Allele origin: germline. Affected: yes.
Comment: The variant is not observed in the gnomAD v4.1.0 dataset. Predicted Consequence/Location: The variant is located in a mutational hot spot and/or well-established functional domain in which established pathogenic variants have been reported (ClinVar: VCV000430215.4). In silico tool predictions suggest damaging effect of the variant on gene or gene product [REVEL: 0.81 (>=0.6, sensitivity 0.68 and specificity 0.92); 3Cnet: 0.77 (> 0.75, sensitivity 0.96 and precision 0.92)]. The same nucleotide change resulting in the same amino acid change has been previously reported to be associated with COL4A1-related disorder (ClinVar ID: VCV000430215). Therefore, this variant is classified as Likely pathogenic according to the recommendation of ACMG/AMP guideline.

GeneDx
Classification: Pathogenic. Last evaluated: 2020-03-26. Review status: criteria provided, single submitter. Criteria: GeneDx Variant Classification Process June 2021. Collection method: clinical testing. Allele origin: germline. Affected: yes.
Comment: Not observed in large population cohorts (Lek et al., 2016); In silico analysis supports that this missense variant has a deleterious effect on protein structure/function; Has not been previously published as pathogenic or benign to our knowledge